The following is an entry in ClinVar:

ClinVar aggregate classification (germline): Likely pathogenic (1 of 4 stars; one submission).

Conditions:
Neuronal ceroid lipofuscinosis. Also called: Neuronal Ceroid Lipofuscinoses. Identifiers: Orphanet 216, Orphanet 79263, MedGen C0027877, MONDO:0016295. Disease mechanism: loss of function.

Allele frequency attached by ClinVar (database versions not stated): gnomAD exomes below 0.00001.
gnomAD v4.1: 2 of 1,613,794 alleles (0.00012%); highest among the groups gnomAD compares: Non-Finnish European, 0.00017%; no homozygotes.

Submission:

Labcorp Genetics (formerly Invitae), Labcorp
Classification: Likely pathogenic for Neuronal ceroid lipofuscinosis. Last evaluated: 2022-09-23. Review status: criteria provided, single submitter. Criteria: Invitae Variant Classification Sherloc (09022015). Collection method: clinical testing. Allele origin: germline.
Comment: Algorithms developed to predict the effect of sequence changes on RNA splicing suggest that this variant may disrupt the consensus splice site. This sequence change affects a donor splice site in intron 2 of the CLN5 gene. It is expected to disrupt RNA splicing. Variants that disrupt the donor or acceptor splice site typically lead to a loss of protein function (PMID: 16199547), and loss-of-function variants in CLN5 are known to be pathogenic (PMID: 20157158). This variant is not present in population databases (gnomAD no frequency). This variant has not been reported in the literature in individuals affected with CLN5-related conditions. In summary, the currently available evidence indicates that the variant is pathogenic, but additional data are needed to prove that conclusively. Therefore, this variant has been classified as Likely Pathogenic.

Literature cited by the submitters: PubMed 16199547; PubMed 20157158.

NM_006493.4(CLN5):c.339+1G>A

Gene: CLN5 (CLN5 lysosomal BMP synthase; plus strand). Cytogenetic location: 13q22.3.
Variant type: single nucleotide variant.
Coding change: c.339+1G>A on transcript NM_006493.4 (MANE Select); the canonical splice donor site of the intron after coding-DNA position 339, G replaced by A.
Molecular consequence: splice donor variant.
Genome position (GRCh38, 1-based): chr13:76,995,229, G>A. VCF-style: chr13-76995229-G-A. GRCh37 (hg19) VCF-style: chr13-77569364-G-A.
Other names: c.339+1G>A (NM_001366624.2).
Identifiers: ClinVar variation 1933169 (VCV001933169.5), dbSNP rs2501136089, ClinGen allele CA388308448.